The following is an entry in ClinVar:

ClinVar aggregate classification (germline): Likely pathogenic (1 of 4 stars; one submission).

Conditions:
Hematuria. Identifiers: MedGen C0018965, HP:0000790.

gnomAD v4.1: 2 of 1,614,142 alleles (0.00012%); highest among the groups gnomAD compares: Non-Finnish European, 0.00017%; no homozygotes.

Submission:

Genetics Laboratory, Great Ormond Street Hospital NHS Foundation Trust, North Thames Genomic Laboratory Hub
Classification: Likely pathogenic for Haematuria. Last evaluated: 2026-07-27. Review status: criteria provided, single submitter. Criteria: ACGS Best Practice Guidelines for Variant Classification in Rare Disease 2024 v1.2. Collection method: clinical testing. Allele origin: germline. Affected: yes.
Comment: PM2_moderate, PP3_supporting, PM1_moderate, PP4_supporting

NM_000091.5(COL4A3):c.4871A>G (p.Tyr1624Cys)

Genes: COL4A3 (collagen type IV alpha 3 chain; plus strand), MFF-DT (MFF divergent transcript; minus strand). Cytogenetic location: 2q36.3.
Variant type: single nucleotide variant.
Coding change: c.4871A>G on transcript NM_000091.5 (MANE Select); coding-DNA position 4871, A replaced by G.
Protein change: p.Tyr1624Cys; replaces tyrosine 1624 with cysteine.
Molecular consequence: missense variant.
Genome position (GRCh38, 1-based): chr2:227,310,891, A>G. VCF-style: chr2-227310891-A-G. GRCh37 (hg19) VCF-style: chr2-228175607-A-G.
Other names: short protein forms Y1624C.
Identifiers: ClinVar variation 4976870 (VCV004976870.1).